The following is an entry in ClinVar:

ClinVar aggregate classification (germline): Uncertain significance (1 of 4 stars; one submission).

Conditions:
Hereditary breast ovarian cancer syndrome. Also called: Hereditary breast and ovarian cancer syndrome; Hereditary breast and ovarian cancer syndrome (HBOC); BRCA1- and BRCA2-Associated Hereditary Breast and Ovarian Cancer; Hereditary breast and ovarian cancer; Breast and ovarian cancer; Hereditary breast and/or ovarian cancer syndrome. Identifiers: Orphanet 145, MedGen C0677776, MeSH D061325, MONDO:0003582. Disease mechanism: loss of function.

Submission:

Labcorp Genetics (formerly Invitae), Labcorp
Classification: Uncertain significance for Hereditary breast ovarian cancer syndrome. Last evaluated: 2025-02-03. Review status: criteria provided, single submitter. Criteria: Invitae Variant Classification Sherloc (09022015). Collection method: clinical testing. Allele origin: germline.
Comment: This sequence change replaces glutamine, which is neutral and polar, with glutamic acid, which is acidic and polar, at codon 3034 of the BRCA2 protein (p.Gln3034Glu). This variant is not present in population databases (gnomAD no frequency). This variant has not been reported in the literature in individuals affected with BRCA2-related conditions. Invitae Evidence Modeling of protein sequence and biophysical properties (such as structural, functional, and spatial information, amino acid conservation, physicochemical variation, residue mobility, and thermodynamic stability) indicates that this missense variant is not expected to disrupt BRCA2 protein function with a negative predictive value of 95%. In summary, the available evidence is currently insufficient to determine the role of this variant in disease. Therefore, it has been classified as a Variant of Uncertain Significance.

NM_000059.4(BRCA2):c.9100C>G (p.Gln3034Glu)

Gene: BRCA2 (BRCA2 DNA repair associated; plus strand). Cytogenetic location: 13q13.1.
Variant type: single nucleotide variant.
Coding change: c.9100C>G on transcript NM_000059.4 (MANE Select); coding-DNA position 9100, C replaced by G.
Protein change: p.Gln3034Glu; replaces glutamine 3034 with glutamic acid.
Molecular consequence: missense variant. On other transcripts: non-coding transcript variant (1).
Genome position (GRCh38, 1-based): chr13:32,379,896, C>G. VCF-style: chr13-32379896-C-G. GRCh37 (hg19) VCF-style: chr13-32954033-C-G.
Other names: c.2683C>G, p.Gln895Glu (NM_001406722.1); c.9100C>G, p.Gln3034Glu (NM_001432077.1); c.9004C>G, p.Gln3002Glu (NM_001406719.1); c.9049C>G, p.Gln3017Glu (NM_001406720.1); c.4168C>G, p.Gln1390Glu (NM_001406721.1); short protein forms Q3034E, Q3002E, Q895E, Q1390E, Q3017E.
Identifiers: ClinVar variation 3636554 (VCV003636554.2).